The following is an entry in ClinVar:

NM_000264.5(PTCH1):c.653A>G (p.Gln218Arg)

Gene: PTCH1 (patched 1; minus strand). Cytogenetic location: 9q22.32.
Variant type: single nucleotide variant.
Coding change: c.653A>G on transcript NM_000264.5 (MANE Select); coding-DNA position 653, A replaced by G.
Protein change: p.Gln218Arg; replaces glutamine 218 with arginine.
Molecular consequence: missense variant. On other transcripts: non-coding transcript variant (1).
Genome position (GRCh38, 1-based): chr9:95,482,135, T>C on the plus strand (A>G on the coding strand, the complement: PTCH1 is on the minus strand). VCF-style: chr9-95482135-T-C. GRCh37 (hg19) VCF-style: chr9-98244417-T-C.
Other names: c.455A>G, p.Gln152Arg (NM_001083602.3, NM_001354919.2); c.650A>G, p.Gln217Arg (NM_001083603.3); c.200A>G, p.Gln67Arg (NM_001083604.3, NM_001083605.3, NM_001083606.3 and 1 more transcripts); c.653A>G, p.Gln218Arg (NM_001354918.2); short protein forms Q67R, Q217R, Q152R, Q218R.
Identifiers: ClinVar variation 3427304 (VCV003427304.2).

ClinVar aggregate classification (germline): Uncertain significance. Review status: criteria provided, multiple submitters, no conflicts (2 of 4 stars). 2 submissions from 2 submitters: Uncertain significance (2). Last evaluated 2024-11-04.

Conditions:
Hereditary cancer-predisposing syndrome. Also called: Neoplastic Syndromes, Hereditary; Tumor predisposition; Hereditary Cancer Syndrome; Hereditary neoplastic syndrome. Identifiers: Orphanet 140162, MedGen C0027672, MeSH D009386, MONDO:0015356.

Submissions (2):

Ambry Genetics
Classification: Uncertain significance for Hereditary cancer-predisposing syndrome. Last evaluated: 2024-11-04. Review status: criteria provided, single submitter. Criteria: Ambry Variant Classification Scheme 2023. Collection method: clinical testing. Allele origin: germline.
Comment: The p.Q218R variant (also known as c.653A>G), located in coding exon 4 of the PTCH1 gene, results from an A to G substitution at nucleotide position 653. The glutamine at codon 218 is replaced by arginine, an amino acid with highly similar properties. The in silico prediction for this alteration is inconclusive. This nucleotide position is highly conserved in available vertebrate species. In silico splice site analysis predicts that this alteration will weaken the native splice donor site; however, direct evidence is insufficient at this time (Ambry internal data). Based on the available evidence, the clinical significance of this variant remains unclear.

GeneDx
Classification: Uncertain significance. Last evaluated: 2024-07-30. Review status: criteria provided, single submitter. Criteria: GeneDx Variant Classification Process June 2021. Collection method: clinical testing. Allele origin: germline. Affected: yes.
Comment: Not observed at significant frequency in large population cohorts (gnomAD); In silico analysis indicates that this missense variant does not alter protein structure/function, but splice predictors indicate that the variant may lead to abnormal gene splicing; Has not been previously published as pathogenic or benign to our knowledge; This variant is associated with the following publications: (PMID: 8906794)